The following is an entry in ClinVar:

ClinVar aggregate classification (germline): Uncertain significance (1 of 4 stars; one submission).

gnomAD v4.1: 2 of 1,614,180 alleles (0.00012%); highest among the groups gnomAD compares: Non-Finnish European, 0.00017%; no homozygotes.

Submission:

Labcorp Genetics (formerly Invitae), Labcorp
Classification: Uncertain significance. Last evaluated: 2024-11-11. Review status: criteria provided, single submitter. Criteria: Invitae Variant Classification Sherloc (09022015). Collection method: clinical testing. Allele origin: germline.
Comment: This sequence change replaces asparagine, which is neutral and polar, with serine, which is neutral and polar, at codon 169 of the SLC25A21 protein (p.Asn169Ser). This variant is present in population databases (no rsID available, gnomAD 0.0009%). This variant has not been reported in the literature in individuals affected with SLC25A21-related conditions. Invitae Evidence Modeling of protein sequence and biophysical properties (such as structural, functional, and spatial information, amino acid conservation, physicochemical variation, residue mobility, and thermodynamic stability) indicates that this missense variant is not expected to disrupt SLC25A21 protein function with a negative predictive value of 80%. In summary, the available evidence is currently insufficient to determine the role of this variant in disease. Therefore, it has been classified as a Variant of Uncertain Significance.

NM_030631.4(SLC25A21):c.506A>G (p.Asn169Ser)

Gene: SLC25A21 (solute carrier family 25 member 21; minus strand). Cytogenetic location: 14q13.3.
Variant type: single nucleotide variant.
Coding change: c.506A>G on transcript NM_030631.4 (MANE Select); coding-DNA position 506, A replaced by G.
Protein change: p.Asn169Ser; replaces asparagine 169 with serine.
Molecular consequence: missense variant.
Genome position (GRCh38, 1-based): chr14:36,711,415, T>C on the plus strand (A>G on the coding strand, the complement: SLC25A21 is on the minus strand). VCF-style: chr14-36711415-T-C. GRCh37 (hg19) VCF-style: chr14-37180620-T-C.
Other names: c.506A>G, p.Asn169Ser (NM_001171170.2); short protein forms N169S.
Identifiers: ClinVar variation 3613356 (VCV003613356.2).